The following is an entry in ClinVar:

NM_000834.5(GRIN2B):c.2360-225T>C

Gene: GRIN2B (glutamate ionotropic receptor NMDA type subunit 2B; minus strand). Cytogenetic location: 12p13.1.
Variant type: single nucleotide variant.
Coding change: c.2360-225T>C on transcript NM_000834.5 (MANE Select); 225 bases into the intron before coding-DNA position 2360, T replaced by C.
Molecular consequence: intron variant.
Genome position (GRCh38, 1-based): chr12:13,567,488, A>G on the plus strand (T>C on the coding strand, the complement: GRIN2B is on the minus strand). VCF-style: chr12-13567488-A-G. GRCh37 (hg19) VCF-style: chr12-13720422-A-G.
Identifiers: ClinVar variation 676042 (VCV000676042.1), dbSNP rs4764011, ClinGen allele CA13614367.

ClinVar aggregate classification (germline): Benign (1 of 4 stars; one submission).

Allele frequency attached by ClinVar (database versions not stated): gnomAD 0.47590 and 0.49219; TOPMed 0.48166; 1000 Genomes Project 30x 0.61493; 1000 Genomes Project 0.62819.
gnomAD v4.1: 74,795 of 152,078 alleles (49%); highest among the groups gnomAD compares: East Asian, 99%; 19,307 homozygotes.

Submission:

GeneDx
Classification: Benign. Last evaluated: 2018-06-14. Review status: criteria provided, single submitter. Criteria: GeneDx Variant Classification (06012015). Collection method: clinical testing. Allele origin: germline. Affected: yes.
Comment: This variant is considered likely benign or benign based on one or more of the following criteria: it is a conservative change, it occurs at a poorly conserved position in the protein, it is predicted to be benign by multiple in silico algorithms, and/or has population frequency not consistent with disease.